The following is an entry in ClinVar:

NM_001291303.3(FAT4):c.4770G>T (p.Leu1590Phe)

Gene: FAT4 (FAT atypical cadherin 4; plus strand). Cytogenetic location: 4q28.1.
Variant type: single nucleotide variant.
Coding change: c.4770G>T on transcript NM_001291303.3 (MANE Select); coding-DNA position 4770, G replaced by T.
Protein change: p.Leu1590Phe; replaces leucine 1590 with phenylalanine.
Molecular consequence: missense variant.
Genome position (GRCh38, 1-based): chr4:125,321,181, G>T. VCF-style: chr4-125321181-G-T. GRCh37 (hg19) VCF-style: chr4-126242336-G-T.
Other names: c.4770G>T, p.Leu1590Phe (NM_001291285.3, NM_024582.6); short protein forms L1590F.
Identifiers: ClinVar variation 3628911 (VCV003628911.2).

ClinVar aggregate classification (germline): Uncertain significance. Review status: criteria provided, multiple submitters, no conflicts (2 of 4 stars). 2 submissions from 2 submitters: Uncertain significance (2). Last evaluated 2024-11-19.

gnomAD v4.1: 23 of 1,613,990 alleles (0.0014%); highest among the groups gnomAD compares: Non-Finnish European, 0.0019%; no homozygotes.

Submissions (2):

Labcorp Genetics (formerly Invitae), Labcorp
Classification: Uncertain significance. Last evaluated: 2024-11-19. Review status: criteria provided, single submitter. Criteria: Invitae Variant Classification Sherloc (09022015). Collection method: clinical testing. Allele origin: germline.
Comment: This sequence change replaces leucine, which is neutral and non-polar, with phenylalanine, which is neutral and non-polar, at codon 1590 of the FAT4 protein (p.Leu1590Phe). The frequency data for this variant in the population databases is considered unreliable, as metrics indicate poor data quality at this position in the gnomAD database. This variant has not been reported in the literature in individuals affected with FAT4-related conditions. Invitae Evidence Modeling of protein sequence and biophysical properties (such as structural, functional, and spatial information, amino acid conservation, physicochemical variation, residue mobility, and thermodynamic stability) indicates that this missense variant is not expected to disrupt FAT4 protein function with a negative predictive value of 95%. In summary, the available evidence is currently insufficient to determine the role of this variant in disease. Therefore, it has been classified as a Variant of Uncertain Significance.

Blueprint Genetics
Classification: Uncertain significance. Last evaluated: 2023-05-24. Review status: criteria provided, single submitter. Criteria: ACMG Guidelines, 2015. Collection method: clinical testing. Allele origin: germline.